The following is an entry in ClinVar:

ClinVar aggregate classification (germline): Benign/Likely benign. Review status: criteria provided, multiple submitters, no conflicts (2 of 4 stars). 3 submissions from 3 submitters: Benign (2); Likely benign (1). Last evaluated 2026-09-01.

Allele frequency attached by ClinVar (database versions not stated): 1000 Genomes Project 0.00260; 1000 Genomes Project 30x 0.00344; ExAC 0.00442; gnomAD exomes 0.00497 and 0.00664; gnomAD 0.00541 and 0.00554; TOPMed 0.00571; ESP Exome Variant Server 0.00577.
gnomAD v4.1: 10,484 of 1,614,192 alleles (0.65%); highest among the groups gnomAD compares: Non-Finnish European, 0.79%; 39 homozygotes.

Submissions (3):

CeGaT Center for Human Genetics Tuebingen
Classification: Likely benign. Last evaluated: 2026-09-01. Review status: criteria provided, single submitter. Criteria: CeGaT Center For Human Genetics Tuebingen Variant Classification Criteria Version 2. Collection method: clinical testing. Allele origin: germline. Affected: yes. Observed: 2 variant alleles.
Comment: NFATC3: BP4, BP7, BS2

Labcorp Genetics (formerly Invitae), Labcorp
Classification: Benign. Last evaluated: 2018-07-27. Review status: criteria provided, single submitter. Criteria: Invitae Variant Classification Sherloc (09022015). Collection method: clinical testing. Allele origin: germline.

Breakthrough Genomics
Classification: Benign. Review status: criteria provided, single submitter. Criteria: ACMG Guidelines, 2015. Collection method: not provided. Allele origin: germline. Inheritance: Unknown mechanism. Affected: yes.

NM_173165.3(NFATC3):c.816G>A (p.Gly272=)

Gene: NFATC3 (nuclear factor of activated T cells 3; plus strand). Cytogenetic location: 16q22.1.
Variant type: single nucleotide variant.
Coding change: c.816G>A on transcript NM_173165.3 (MANE Select); coding-DNA position 816, G replaced by A.
Protein change: p.Gly272=; no amino-acid change (glycine 272 retained).
Molecular consequence: synonymous variant.
Genome position (GRCh38, 1-based): chr16:68,122,699, G>A. VCF-style: chr16-68122699-G-A. GRCh37 (hg19) VCF-style: chr16-68156602-G-A.
Other names: c.816G>A, p.Gly272= (NM_004555.4, NM_173163.3).
Identifiers: ClinVar variation 782312 (VCV000782312.28), dbSNP rs62636651, ClinGen allele CA8124400.
Genomic context (GRCh38, chr16:68,122,699, plus strand): 5'-GAATTGGCTGAGCCCCAGGCCAGCCTCAGGACCCTCATCAAGGCCCACATCCCCCTGTGG[G>A]AAACGGAGGCACTCCAGTGCTGAAGTTTGTTATGCTGGGTCCCTTTCACCCCATCACTCA-3'
Protein context (NP_775188.1, residues 262-282): GPSSRPTSPC[Gly272=]KRRHSSAEVC